The following is an entry in ClinVar:

NM_000781.3(CYP11A1):c.721T>G (p.Phe241Val)

Gene: CYP11A1 (cytochrome P450 family 11 subfamily A member 1; minus strand). Cytogenetic location: 15q24.1.
Variant type: single nucleotide variant.
Coding change: c.721T>G on transcript NM_000781.3 (MANE Select); coding-DNA position 721, T replaced by G.
Protein change: p.Phe241Val; replaces phenylalanine 241 with valine.
Molecular consequence: missense variant.
Genome position (GRCh38, 1-based): chr15:74,343,897, A>C on the plus strand (T>G on the coding strand, the complement: CYP11A1 is on the minus strand). VCF-style: chr15-74343897-A-C. GRCh37 (hg19) VCF-style: chr15-74636238-A-C.
Other names: c.247T>G, p.Phe83Val (NM_001099773.2); short protein forms F83V, F241V.
Identifiers: ClinVar variation 4996360 (VCV004996360.1).

ClinVar aggregate classification (germline): Uncertain significance (1 of 4 stars; one submission).

Conditions:
CYP11A1-related disorder. Also called: CYP11A1-related condition.

Submission:

PreventionGenetics, part of Exact Sciences
Classification: Uncertain significance for CYP11A1-related condition. Last evaluated: 2026-06-11. Review status: criteria provided, single submitter. Criteria: ACMG Guidelines, 2015. Collection method: clinical testing. Allele origin: germline.
Comment: The CYP11A1 c.721T>G variant is predicted to result in the amino acid substitution p.Phe241Val. To our knowledge, this variant has not been reported in the literature or in a large population database (gnomAD), indicating this variant is rare. At this time, the clinical significance of this variant is uncertain due to the absence of conclusive functional and genetic evidence.